The following is an entry in ClinVar:

ClinVar aggregate classification (germline): Benign/Likely benign. Review status: criteria provided, multiple submitters, no conflicts (2 of 4 stars). 3 submissions from 3 submitters: Benign (1); Likely benign (2). Last evaluated 2025-03-11.

Conditions:
Hereditary cancer-predisposing syndrome. Also called: Neoplastic Syndromes, Hereditary; Tumor predisposition; Hereditary Cancer Syndrome; Hereditary neoplastic syndrome. Identifiers: Orphanet 140162, MedGen C0027672, MeSH D009386, MONDO:0015356.
POLD1-related polyposis and colorectal cancer syndrome (CRCS10). Also called: Colorectal cancer 10; COLORECTAL CANCER, SUSCEPTIBILITY TO, ON CHROMOSOME 19q; Colorectal cancer, susceptibility to, 10. Identifiers: Orphanet 220460, MedGen C2675481, MONDO:0012953, OMIM 612591.

Submissions (3):

Labcorp Genetics (formerly Invitae), Labcorp
Classification: Likely benign for POLD1-related polyposis and colorectal cancer syndrome. Last evaluated: 2025-03-11. Review status: criteria provided, single submitter. Criteria: Invitae Variant Classification Sherloc (09022015). Collection method: clinical testing. Allele origin: germline.

Myriad Genetics, Inc.
Classification: Benign for POLD1-related polyposis and colorectal cancer syndrome. Last evaluated: 2025-02-06. Review status: criteria provided, single submitter. Criteria: Myriad Autosomal Dominant, Autosomal Recessive and X-Linked Classification Criteria (2023). Collection method: clinical testing. Allele origin: unknown.
Comment: This variant is considered benign. This variant is a silent/synonymous amino acid change and it is not expected to impact splicing.

Ambry Genetics
Classification: Likely benign for Hereditary cancer-predisposing syndrome. Last evaluated: 2024-02-12. Review status: criteria provided, single submitter. Criteria: Ambry Variant Classification Scheme 2023. Collection method: clinical testing. Allele origin: germline.

NM_002691.4(POLD1):c.1386G>A (p.Val462=)

Gene: POLD1 (DNA polymerase delta 1, catalytic subunit; plus strand). Cytogenetic location: 19q13.33.
Variant type: single nucleotide variant.
Coding change: c.1386G>A on transcript NM_002691.4 (MANE Select); coding-DNA position 1386, G replaced by A.
Protein change: p.Val462=; no amino-acid change (valine 462 retained).
Molecular consequence: synonymous variant. On other transcripts: non-coding transcript variant (1).
Genome position (GRCh38, 1-based): chr19:50,406,409, G>A. VCF-style: chr19-50406409-G-A. GRCh37 (hg19) VCF-style: chr19-50909666-G-A.
Other names: c.1386G>A, p.Val462= (NM_001256849.1, NM_001308632.1).
Identifiers: ClinVar variation 3222695 (VCV003222695.3), dbSNP rs2122325613, ClinGen allele CA508304840.